The following is an entry in ClinVar:

NM_138477.4(CDAN1):c.2650A>G (p.Thr884Ala)

Gene: CDAN1 (codanin 1; minus strand). Cytogenetic location: 15q15.2.
Variant type: single nucleotide variant.
Coding change: c.2650A>G on transcript NM_138477.4 (MANE Select); coding-DNA position 2650, A replaced by G.
Protein change: p.Thr884Ala; replaces threonine 884 with alanine.
Molecular consequence: missense variant.
Genome position (GRCh38, 1-based): chr15:42,728,806, T>C on the plus strand (A>G on the coding strand, the complement: CDAN1 is on the minus strand). VCF-style: chr15-42728806-T-C. GRCh37 (hg19) VCF-style: chr15-43021004-T-C.
Other names: short protein forms T884A.
Identifiers: ClinVar variation 3366748 (VCV003366748.1).

ClinVar aggregate classification (germline): Uncertain significance (1 of 4 stars; one submission).

gnomAD v4.1: 49 of 1,614,046 alleles (0.003%); highest among the groups gnomAD compares: Non-Finnish European, 0.0038%; no homozygotes.

Submission:

Women's Health and Genetics/Laboratory Corporation of America, LabCorp
Classification: Uncertain significance. Last evaluated: 2024-08-16. Review status: criteria provided, single submitter. Criteria: LabCorp Variant Classification Summary - May 2015. Collection method: clinical testing. Allele origin: germline.
Comment: Variant summary: CDAN1 c.2650A>G (p.Thr884Ala) results in a non-conservative amino acid change located in the Codanin-1, C-terminal domain (IPR028171) of the encoded protein sequence. Five of five in-silico tools predict a damaging effect of the variant on protein function. The variant allele was found at a frequency of 8e-06 in 251324 control chromosomes. The available data on variant occurrences in the general population are insufficient to allow any conclusion about variant significance. c.2650A>G has been reported in the literature in at-least one individual affected with Congenital dyserythropoietic anemia, type I (example: Tamary_2005). These data do not allow any conclusion about variant significance. To our knowledge, no experimental evidence demonstrating an impact on protein function has been reported. The following publication has been ascertained in the context of this evaluation (PMID: 16098079). No submitters have cited clinical-significance assessments for this variant to ClinVar. Based on the evidence outlined above, the variant was classified as uncertain significance.

Literature cited by the submitters: PubMed 16098079.